The following is an entry in ClinVar:

NM_001852.4(COL9A2):c.880A>G (p.Thr294Ala)

Gene: COL9A2 (collagen type IX alpha 2 chain; minus strand). Cytogenetic location: 1p34.2.
Variant type: single nucleotide variant.
Coding change: c.880A>G on transcript NM_001852.4 (MANE Select); coding-DNA position 880, A replaced by G.
Protein change: p.Thr294Ala; replaces threonine 294 with alanine.
Molecular consequence: missense variant.
Genome position (GRCh38, 1-based): chr1:40,308,212, T>C on the plus strand (A>G on the coding strand, the complement: COL9A2 is on the minus strand). VCF-style: chr1-40308212-T-C. GRCh37 (hg19) VCF-style: chr1-40773884-T-C.
Other names: c.880A>G (NM_001852.3); short protein forms T294A.
Identifiers: ClinVar variation 2418969 (VCV002418969.7), dbSNP rs1644060682, ClinGen allele CA339852880.

ClinVar aggregate classification (germline): Uncertain significance. Review status: criteria provided, multiple submitters, no conflicts (2 of 4 stars). 2 submissions from 2 submitters: Uncertain significance (2). Last evaluated 2023-12-27.

Conditions:
Inborn genetic diseases. Identifiers: MedGen C0950123, MeSH D030342.

Allele frequency attached by ClinVar (database versions not stated): gnomAD exomes below 0.00001; gnomAD 0.00001.
gnomAD v4.1: 2 of 1,614,012 alleles (0.00012%); highest among the groups gnomAD compares: Non-Finnish European, 0.00017%; no homozygotes.

Submissions (2):

Ambry Genetics
Classification: Uncertain significance for Inborn genetic diseases. Last evaluated: 2023-12-27. Review status: criteria provided, single submitter. Criteria: Ambry Variant Classification Scheme 2023. Collection method: clinical testing. Allele origin: germline.

Labcorp Genetics (formerly Invitae), Labcorp
Classification: Uncertain significance. Last evaluated: 2022-01-06. Review status: criteria provided, single submitter. Criteria: Invitae Variant Classification Sherloc (09022015). Collection method: clinical testing. Allele origin: germline.
Comment: Advanced modeling of protein sequence and biophysical properties (such as structural, functional, and spatial information, amino acid conservation, physicochemical variation, residue mobility, and thermodynamic stability) performed at Invitae indicates that this missense variant is not expected to disrupt COL9A2 protein function. This variant has not been reported in the literature in individuals affected with COL9A2-related conditions. This variant is not present in population databases (gnomAD no frequency). This sequence change replaces threonine, which is neutral and polar, with alanine, which is neutral and non-polar, at codon 294 of the COL9A2 protein (p.Thr294Ala). In summary, the available evidence is currently insufficient to determine the role of this variant in disease. Therefore, it has been classified as a Variant of Uncertain Significance.